The following is an entry in ClinVar:

ClinVar aggregate classification (germline): Conflicting classifications of pathogenicity. Review status: criteria provided, conflicting classifications (1 of 4 stars). 2 submissions from 2 submitters: Uncertain significance (1); Likely benign (1). Last evaluated 2024-07-08.

Conditions:
Severe combined immunodeficiency due to DNA-PKcs deficiency. Also called: IMMUNODEFICIENCY 26 WITH NEUROLOGIC ABNORMALITIES; Immunodeficiency 26 with or without neurologic abnormalities. Identifiers: Orphanet 317425, MedGen C4014833, MONDO:0014423, OMIM 615966.

Allele frequency attached by ClinVar (database versions not stated): gnomAD exomes 0.00001; ExAC 0.00004.
gnomAD v4.1: 13 of 1,605,636 alleles (0.00081%); highest among the groups gnomAD compares: Non-Finnish European, 0.00094%; no homozygotes.

Submissions (2):

Blueprint Genetics
Classification: Likely benign. Last evaluated: 2024-07-08. Review status: criteria provided, single submitter. Criteria: ACMG Guidelines, 2015. Collection method: clinical testing. Allele origin: germline.

Labcorp Genetics (formerly Invitae), Labcorp
Classification: Uncertain significance for Severe combined immunodeficiency due to DNA-PKcs deficiency. Last evaluated: 2023-07-21. Review status: criteria provided, single submitter. Criteria: Invitae Variant Classification Sherloc (09022015). Collection method: clinical testing. Allele origin: germline.
Comment: In summary, the available evidence is currently insufficient to determine the role of this variant in disease. Therefore, it has been classified as a Variant of Uncertain Significance. Advanced modeling of protein sequence and biophysical properties (such as structural, functional, and spatial information, amino acid conservation, physicochemical variation, residue mobility, and thermodynamic stability) performed at Invitae indicates that this missense variant is not expected to disrupt PRKDC protein function. ClinVar contains an entry for this variant (Variation ID: 1895529). This variant has not been reported in the literature in individuals affected with PRKDC-related conditions. This variant is present in population databases (rs752644132, gnomAD 0.004%). This sequence change replaces alanine, which is neutral and non-polar, with threonine, which is neutral and polar, at codon 2878 of the PRKDC protein (p.Ala2878Thr).

NM_006904.7(PRKDC):c.8632G>A (p.Ala2878Thr)

Genes: PRKDC (protein kinase, DNA-activated, catalytic subunit; minus strand), LOC121740717 (Sharpr-MPRA regulatory region 7649; plus strand). Cytogenetic location: 8q11.21.
Variant type: single nucleotide variant.
Coding change: c.8632G>A on transcript NM_006904.7 (MANE Select); coding-DNA position 8632, G replaced by A.
Protein change: p.Ala2878Thr; replaces alanine 2878 with threonine.
Molecular consequence: missense variant.
Genome position (GRCh38, 1-based): chr8:47,826,807, C>T on the plus strand (G>A on the coding strand, the complement: PRKDC is on the minus strand). VCF-style: chr8-47826807-C-T. GRCh37 (hg19) VCF-style: chr8-48739368-C-T.
Other names: c.8632G>A, p.Ala2878Thr (NM_001081640.2); short protein forms A2878T.
Identifiers: ClinVar variation 1895529 (VCV001895529.4), dbSNP rs752644132, ClinGen allele CA4739775.
Genomic context (GRCh38, chr8:47,826,807, plus strand): 5'-GCAGAGCCTCCTCTAGCAGGCGGATGCCCACGGGCTGCTGTAGGCTGGCCAGGCAACCAG[C>T]GCTAACAGCCGCTGGGTCGAGGCTCAGCAGGGCTGCGTGCTGACAGCTAATGTCCTGTGA-3'
Protein context (NP_008835.5, residues 2868-2888): LLSLDPAAVS[Ala2878Thr]GCLASLQQPV